The following is an entry in ClinVar:

ClinVar aggregate classification (germline): Uncertain significance (1 of 4 stars; one submission).

Allele frequency attached by ClinVar (database versions not stated): gnomAD exomes below 0.00001; TOPMed 0.00001; gnomAD 0.00002.
gnomAD v4.1: 6 of 1,582,800 alleles (0.00038%); highest among the groups gnomAD compares: African/African-American, 0.0083%; no homozygotes.

Submission:

Labcorp Genetics (formerly Invitae), Labcorp
Classification: Uncertain significance. Last evaluated: 2022-08-15. Review status: criteria provided, single submitter. Criteria: Invitae Variant Classification Sherloc (09022015). Collection method: clinical testing. Allele origin: germline.
Comment: This sequence change replaces methionine, which is neutral and non-polar, with threonine, which is neutral and polar, at codon 885 of the CEP135 protein (p.Met885Thr). Algorithms developed to predict the effect of missense changes on protein structure and function (SIFT, PolyPhen-2, Align-GVGD) all suggest that this variant is likely to be tolerated. This variant is present in population databases (no rsID available, gnomAD 0.004%). This variant has not been reported in the literature in individuals affected with CEP135-related conditions. ClinVar contains an entry for this variant (Variation ID: 1501688). In summary, the available evidence is currently insufficient to determine the role of this variant in disease. Therefore, it has been classified as a Variant of Uncertain Significance.

NM_025009.5(CEP135):c.2654T>C (p.Met885Thr)

Gene: CEP135 (centrosomal protein 135; plus strand). Cytogenetic location: 4q12.
Variant type: single nucleotide variant.
Coding change: c.2654T>C on transcript NM_025009.5 (MANE Select); coding-DNA position 2654, T replaced by C.
Protein change: p.Met885Thr; replaces methionine 885 with threonine.
Molecular consequence: missense variant.
Genome position (GRCh38, 1-based): chr4:56,011,837, T>C. VCF-style: chr4-56011837-T-C. GRCh37 (hg19) VCF-style: chr4-56878003-T-C.
Other names: short protein forms M885T.
Identifiers: ClinVar variation 1501688 (VCV001501688.6), dbSNP rs1005489002, ClinGen allele CA97585513.